The following is an entry in ClinVar:

ClinVar aggregate classification (germline): Likely pathogenic (1 of 4 stars; one submission).

Submission:

GeneDx
Classification: Likely pathogenic. Last evaluated: 2024-12-10. Review status: criteria provided, single submitter. Criteria: GeneDx Variant Classification Process June 2021. Collection method: clinical testing. Allele origin: germline. Affected: yes.
Comment: Canonical splice site variant predicted to result in a null allele in a gene for which loss of function is a known mechanism of disease; Not observed at significant frequency in large population cohorts (gnomAD); Has not been previously published as pathogenic or benign to our knowledge

NM_015465.5(GEMIN5):c.1995+1G>A

Gene: GEMIN5 (gem nuclear organelle associated protein 5; minus strand). Cytogenetic location: 5q33.2.
Variant type: single nucleotide variant.
Coding change: c.1995+1G>A on transcript NM_015465.5 (MANE Select); the canonical splice donor site of the intron after coding-DNA position 1995, G replaced by A.
Molecular consequence: splice donor variant.
Genome position (GRCh38, 1-based): chr5:154,912,898, C>T on the plus strand (G>A on the coding strand, the complement: GEMIN5 is on the minus strand). VCF-style: chr5-154912898-C-T. GRCh37 (hg19) VCF-style: chr5-154292458-C-T.
Other names: c.1992+1G>A (NM_001252156.2).
Identifiers: ClinVar variation 3383566 (VCV003383566.2).